The following is an entry in ClinVar:

ClinVar aggregate classification (germline): Likely benign. Review status: criteria provided, multiple submitters, no conflicts (2 of 4 stars). 2 submissions from 2 submitters: Likely benign (2). Last evaluated 2024-11-08.

Conditions:
WDPCP-related disorder. Also called: WDPCP-related condition.
Bardet-Biedl syndrome (BBS). Identifiers: Orphanet 110, MedGen C0752166, MONDO:0015229.

Allele frequency attached by ClinVar (database versions not stated): gnomAD exomes below 0.00001; gnomAD 0.00001; TOPMed 0.00002.
gnomAD v4.1: 2 of 1,612,942 alleles (0.00012%); highest among the groups gnomAD compares: Admixed American, 0.0033%; no homozygotes.

Submissions (2):

Labcorp Genetics (formerly Invitae), Labcorp
Classification: Likely benign for Bardet-Biedl syndrome. Last evaluated: 2024-11-08. Review status: criteria provided, single submitter. Criteria: Invitae Variant Classification Sherloc (09022015). Collection method: clinical testing. Allele origin: germline.

PreventionGenetics, part of Exact Sciences
Classification: Likely benign for WDPCP-related condition. Last evaluated: 2024-10-02. Review status: criteria provided, single submitter. Criteria: ACMG Guidelines, 2015. Collection method: clinical testing. Allele origin: germline.
Comment: This variant is classified as likely benign based on ACMG/AMP sequence variant interpretation guidelines (Richards et al. 2015 PMID: 25741868, with internal and published modifications).

NM_015910.7(WDPCP):c.1452A>C (p.Gly484=)

Gene: WDPCP (WD repeat containing planar cell polarity effector; minus strand). Cytogenetic location: 2p15.
Variant type: single nucleotide variant.
Coding change: c.1452A>C on transcript NM_015910.7 (MANE Select); coding-DNA position 1452, A replaced by C.
Protein change: p.Gly484=; no amino-acid change (glycine 484 retained).
Molecular consequence: synonymous variant. On other transcripts: non-coding transcript variant (3).
Genome position (GRCh38, 1-based): chr2:63,382,078, T>G on the plus strand (A>C on the coding strand, the complement: WDPCP is on the minus strand). VCF-style: chr2-63382078-T-G. GRCh37 (hg19) VCF-style: chr2-63609213-T-G.
Other names: c.975A>C, p.Gly325= (NM_001042692.3); c.1380A>C, p.Gly460= (NM_001354044.2); c.1452A>C, p.Gly484= (NM_001354045.2); c.1452A>C (NM_015910.5).
Identifiers: ClinVar variation 2897997 (VCV002897997.4), dbSNP rs1692358790, ClinGen allele CA426383469.
Genomic context (GRCh38, chr2:63,382,078, plus strand): 5'-TGCCTCATAGATCTCATCACAGTGAATGTACTGGAAGATGATGTCTATCAGGCCCAGCTG[T>G]CCTCGAGTGAAGACGCCTATCACAAAACATGGAAAACCAGGTGAATCTTTTAAAATAAAA-3'
Protein context (NP_056994.3, residues 474-494): LLFKLGVFTR[Gly484=]QLGLIDIIFQ